The following is an entry in ClinVar:

NM_022124.6(CDH23):c.3999G>A (p.Val1333=)

Genes: C10orf105 (chromosome 10 open reading frame 105; minus strand), CDH23 (cadherin related 23; plus strand). Cytogenetic location: 10q22.1.
Variant type: single nucleotide variant.
Coding change: c.3999G>A on transcript NM_022124.6 (MANE Select); coding-DNA position 3999, G replaced by A.
Protein change: p.Val1333=; no amino-acid change (valine 1333 retained).
Molecular consequence: synonymous variant. On other transcripts: intron variant (1).
Genome position (GRCh38, 1-based): chr10:71,732,270, G>A. VCF-style: chr10-71732270-G-A. GRCh37 (hg19) VCF-style: chr10-73492027-G-A.
Other names: c.3999G>A, p.Val1333= (NM_001171930.2); c.-6+5458C>T (NM_001168390.2).
Identifiers: ClinVar variation 45935 (VCV000045935.47), dbSNP rs111033453, ClinGen allele CA137408.
Genomic context (GRCh38, chr10:71,732,270, plus strand): 5'-CTCCAATGCCTCATACGAGGCTGCCATCCTGGAGAATCTGGCACTGGGTACTGAGATTGT[G>A]CGGGTCCAGGCCTACTCCATCGACAACCTCAACCAAATCACGTACCGCTTCAACGCCTAC-3'
Protein context (NP_071407.4, residues 1323-1343): LENLALGTEI[Val1333=]RVQAYSIDNL

ClinVar aggregate classification (germline): Conflicting classifications of pathogenicity. Review status: criteria provided, conflicting classifications (1 of 4 stars). 10 submissions from 9 submitters: Uncertain significance (1); Benign (3); Likely benign (4). 2 of the submissions do not count toward it. Last evaluated 2026-09-01.

Conditions:
Usher syndrome type 1 (USH1). Also called: RETINITIS PIGMENTOSA AND CONGENITAL DEAFNESS. Identifiers: Orphanet 231169, Orphanet 886, MedGen C1568247, MONDO:0010168, OMIM 276900.
Autosomal recessive nonsyndromic hearing loss 12. Also called: DEAFNESS, AUTOSOMAL RECESSIVE 12. Identifiers: Orphanet 90636, MedGen C1832394, MONDO:0011067, OMIM 601386.
Usher syndrome type 1D (USH1D). Also called: USHER SYNDROME, TYPE ID. Identifiers: Orphanet 231169, Orphanet 886, MedGen C1832845, MONDO:0010984, OMIM 601067.

Allele frequency attached by ClinVar (database versions not stated): 1000 Genomes Project 30x 0.00094; TOPMed 0.00195; ESP Exome Variant Server 0.00208; gnomAD exomes 0.00263 and 0.00310; gnomAD 0.00291 and 0.00516; 1000 Genomes Project 0.00100; ExAC 0.00278.
gnomAD v4.1: 4,301 of 1,613,534 alleles (0.27%); highest among the groups gnomAD compares: Middle Eastern, 0.51%; 12 homozygotes.

Submissions (10):

CeGaT Center for Human Genetics Tuebingen
Classification: Likely benign. Last evaluated: 2026-09-01. Review status: criteria provided, single submitter. Criteria: CeGaT Center For Human Genetics Tuebingen Variant Classification Criteria Version 2. Collection method: clinical testing. Allele origin: germline. Affected: yes. Observed: 19 variant alleles.
Comment: CDH23: BP4, BS2

Labcorp Genetics (formerly Invitae), Labcorp
Classification: Benign. Last evaluated: 2026-02-02. Review status: criteria provided, single submitter. Criteria: Invitae Variant Classification Sherloc (09022015). Collection method: clinical testing. Allele origin: germline.

Blueprint Genetics
Classification: Likely benign. Last evaluated: 2024-11-27. Review status: criteria provided, single submitter. Criteria: ACMG Guidelines, 2015. Collection method: clinical testing. Allele origin: germline.

GeneDx
Classification: Benign. Last evaluated: 2019-06-17. Review status: criteria provided, single submitter. Criteria: GeneDx Variant Classification Process June 2021. Collection method: clinical testing. Allele origin: germline. Affected: yes.
Comment: This variant is associated with the following publications: (PMID: 18429043, 28027327)

Illumina Laboratory Services, Illumina
Classification: Uncertain significance for Autosomal recessive nonsyndromic hearing loss 12. Last evaluated: 2017-04-27. Review status: criteria provided, single submitter. Criteria: ICSL Variant Classification Criteria 13 December 2019. Collection method: clinical testing. Allele origin: germline.

Illumina Laboratory Services, Illumina
Classification: Likely benign for Usher syndrome type 1D. Last evaluated: 2017-04-27. Review status: criteria provided, single submitter. Criteria: ICSL Variant Classification Criteria 13 December 2019. Collection method: clinical testing. Allele origin: germline.
Comment: This variant was observed as part of a predisposition screen in an ostensibly healthy population. A literature search was performed for the gene, cDNA change, and amino acid change (where applicable). Publications were found based on this search. The evidence from the literature, in combination with allele frequency data from public databases where available, was sufficient to determine this variant is unlikely to cause disease. Therefore, this variant is classified as likely benign.

Eurofins Ntd Llc (ga)
Classification: Likely benign. Last evaluated: 2016-11-01. Review status: criteria provided, single submitter. Criteria: EGL Classification Definitions 2015. Collection method: clinical testing. Allele origin: germline. Observed: 1 variant allele, 1 heterozygote.

Laboratory for Molecular Medicine, Mass General Brigham Personalized Medicine
Classification: Benign. Last evaluated: 2013-02-06. Review status: criteria provided, single submitter. Criteria: LMM Criteria. Collection method: clinical testing. Allele origin: germline. Observed: 12 variant alleles.
Comment: Val1333Val in Exon 32A of CDH23: This variant is not expected to have clinical s ignificance because it does not alter an amino acid residue, is not located with in the splice consensus sequence, and has been identified in 0.3% (24/8408) of E uropean American chromosomes from a broad population by the NHLBI Exome Sequenci ng Project (dbSNP rs111033453).

Natera, Inc.
Classification: Benign for Usher syndrome type 1. Last evaluated: 2019-12-09. Review status: no assertion criteria provided. Collection method: clinical testing. Allele origin: germline. Not counted in ClinVar's aggregate classification.

Clinical Genetics DNA and cytogenetics Diagnostics Lab, Erasmus MC, Erasmus Medical Center
Classification: Likely benign. Review status: no assertion criteria provided. Collection method: clinical testing. Allele origin: germline. Affected: yes. Study: VKGL Data-share Consensus. Not counted in ClinVar's aggregate classification.

Literature cited by the submitters: PubMed 18429043 (cited by Illumina Laboratory Services, Illumina and Laboratory for Molecular Medicine, Mass General Brigham Personalized Medicine).